The following is an entry in ClinVar:

ClinVar aggregate classification (germline): Uncertain significance (1 of 4 stars; one submission).

Conditions:
Inborn genetic diseases. Identifiers: MedGen C0950123, MeSH D030342.

gnomAD v4.1: 2 of 1,580,142 alleles (0.00013%); highest among the groups gnomAD compares: East Asian, 0.0045%; no homozygotes.

Submission:

Ambry Genetics
Classification: Uncertain significance for Inborn genetic diseases. Last evaluated: 2024-11-23. Review status: criteria provided, single submitter. Criteria: Ambry Variant Classification Scheme 2023. Collection method: clinical testing. Allele origin: germline.
Comment: The p.V456L variant (also known as c.1366G>T), located in coding exon 13 of the ANKRD26 gene, results from a G to T substitution at nucleotide position 1366. The valine at codon 456 is replaced by leucine, an amino acid with highly similar properties. This amino acid position is conserved. In addition, this alteration is predicted to be tolerated by in silico analysis. Based on the available evidence, the clinical significance of this variant remains unclear.

NM_014915.3(ANKRD26):c.1366G>T (p.Val456Leu)

Gene: ANKRD26 (ankyrin repeat domain containing 26; minus strand). Cytogenetic location: 10p12.1.
Variant type: single nucleotide variant.
Coding change: c.1366G>T on transcript NM_014915.3 (MANE Select); coding-DNA position 1366, G replaced by T.
Protein change: p.Val456Leu; replaces valine 456 with leucine.
Molecular consequence: missense variant.
Genome position (GRCh38, 1-based): chr10:27,061,240, C>A on the plus strand (G>T on the coding strand, the complement: ANKRD26 is on the minus strand). VCF-style: chr10-27061240-C-A. GRCh37 (hg19) VCF-style: chr10-27350169-C-A.
Other names: c.1366G>T, p.Val456Leu (NM_001256053.2); short protein forms V456L.
Identifiers: ClinVar variation 3396625 (VCV003396625.1).